The following is an entry in ClinVar:

NM_001271803.2(REEP2):c.555C>T (p.Ile185=)

Gene: REEP2 (receptor accessory protein 2; plus strand). Cytogenetic location: 5q31.2.
Variant type: single nucleotide variant.
Coding change: c.555C>T on transcript NM_001271803.2 (MANE Select); coding-DNA position 555, C replaced by T.
Protein change: p.Ile185=; no amino-acid change (isoleucine 185 retained).
Molecular consequence: synonymous variant. On other transcripts: non-coding transcript variant (2).
Genome position (GRCh38, 1-based): chr5:138,445,365, C>T. VCF-style: chr5-138445365-C-T. GRCh37 (hg19) VCF-style: chr5-137781054-C-T.
Other names: c.555C>T (NM_001271803.1); c.549C>T, p.Ile183= (NM_016606.4).
Identifiers: ClinVar variation 2705179 (VCV002705179.5), dbSNP rs751263971, ClinGen allele CA3429847.

ClinVar aggregate classification (germline): Likely benign. Review status: criteria provided, single submitter (1 of 4 stars). 2 submissions from 2 submitters: Likely benign (1). 1 of the submissions does not count toward it. Last evaluated 2024-09-28.

Conditions:
Hereditary spastic paraplegia 72 (SPG72A). Also called: Spastic paraplegia 72, autosomal recessive. Identifiers: Orphanet 401849, MedGen C5882669, MONDO:0014282, OMIM 615625.
REEP2-related disorder. Also called: REEP2-related condition.

Allele frequency attached by ClinVar (database versions not stated): gnomAD 0.00001; ExAC 0.00004; gnomAD exomes 0.00004.

Submissions (2):

Labcorp Genetics (formerly Invitae), Labcorp
Classification: Likely benign for Hereditary spastic paraplegia 72. Last evaluated: 2024-09-28. Review status: criteria provided, single submitter. Criteria: Invitae Variant Classification Sherloc (09022015). Collection method: clinical testing. Allele origin: germline.

PreventionGenetics, part of Exact Sciences
Classification: Likely benign for REEP2-related condition. Last evaluated: 2019-08-30. Review status: no assertion criteria provided. Collection method: clinical testing. Allele origin: germline. Not counted in ClinVar's aggregate classification.
Comment: This variant is classified as likely benign based on ACMG/AMP sequence variant interpretation guidelines (Richards et al. 2015 PMID: 25741868, with internal and published modifications).